The following is an entry in ClinVar:

ClinVar aggregate classification (germline): Pathogenic. Review status: reviewed by expert panel (3 of 4 stars). 16 submissions from 16 submitters: Pathogenic (1). 15 of the submissions do not count toward it. Last evaluated 2026-02-20.

Conditions:
SERPINC1-related disorder. Also called: SERPINC1-related condition.
Thrombophilia with a likely monogenic cause.
Hereditary antithrombin deficiency (AT3D). Also called: Reduced antithrombin III activity; Antithrombin deficiency; Antithrombin III deficiency; Thrombophilia due to antithrombin III deficiency. Identifiers: Orphanet 82, MedGen C0272375, MONDO:0013144, OMIM 613118, HP:0001976.
Thrombocytopenia. Identifiers: MedGen C0040034, MeSH D013921, MONDO:0002049, HP:0001873.
Abnormal bleeding. Also called: Bleeding diathesis. Identifiers: MedGen C1458140, HP:0001892.

Allele frequency attached by ClinVar (database versions not stated): gnomAD 0.00112 and 0.00110; ESP Exome Variant Server 0.00115; TOPMed 0.00120; 1000 Genomes Project 30x 0.00016; 1000 Genomes Project 0.00020; ExAC 0.00072; gnomAD exomes 0.00089 and 0.00150.
gnomAD v4.1: 2,351 of 1,614,228 alleles (0.15%); highest among the groups gnomAD compares: Admixed American, 0.18%; 1 homozygote.

Submissions 1 to 11 of 16:

Clingen Thrombosis Variant Curation Expert Panel, ClinGen
Classification: Pathogenic for Hereditary antithrombin deficiency. Last evaluated: 2026-02-20. Review status: reviewed by expert panel. Criteria: ClinGen ACMG Specifications SERPINC1 V1.0.0. Collection method: curation. Allele origin: germline. Inheritance: Autosomal dominant inheritance.
Comment: The NM_000488.4(SERPINC1):c.1246G>T (p.Ala416Ser) variant is a missense variant also known as antithrombin Cambridge II. This variant affects one of the two reactive site residues, Ala414 and Ala416, of SERPINC1 which are defined as mutational hotspots by the ClinGen Thrombosis VCEP (PMID: 1906811) (PM1). The computational predictor REVEL gives a score of 0.673, which is above the threshold of 0.6, evidence that correlates with impact to SERPINC1 function (PP3). This variant has been reported in 35 probands/families meeting SERPINC1 phenotype criteria contributing 31.5 pts which is above the threshold of 8 pts for PS4_VeryStrong (PS4_VeryStrong; PMID: 28300866, 28317092, 24956267, 1906811). The variant is noted to segregate in 7 additional relatives, with a minimum of 6 segregations that can be counted conservatively (PP1_Moderate). The GrpMax filtering allele frequency for this Ala416Ser missense variant in gnomAD v4.1.0 is 0.001738 in the non-Finnish European population with 2127/1180040 total alleles (exomes+genomes) including 1 homozygote. While this frequency is higher than the threshold for BS1, >0.0002, the Ala416Ser variant is considered a common founder in SERPINC1 (AT Cambridge II), and hence BS1 is not applicable. In summary, this variant meets the criteria to be classified as pathogenic for autosomal dominant hereditary antithrombin deficiency based on the ACMG/AMP criteria applied, as specified by the ClinGen Thrombosis VCEP v1.1.0: PS4_VeryStrong, PP1_Moderate, PM1, PP3.

Dasa
Classification: Likely pathogenic. Last evaluated: 2026-04-16. Review status: criteria provided, single submitter. Criteria: DASA Assertion Criteria. Collection method: clinical testing. Allele origin: germline. Not counted in ClinVar's aggregate classification.
Comment: NM_000488.4(SERPINC1):c.1246G>T (p.Ala416Ser) is a missense variant that results in the substitution of alanine with serine. The affected residue or protein region has prior evidence supporting clinical relevance. This variant has been recurrently observed in individuals with SERPINC1-related disorders (PMID: 39675565; PMID: 2012760; PMID: 38347553; PMID: 37201530). Functional evidence supports an impact on the gene or gene product. Published studies describe this variant in association with related phenotype (PMID: 2012760; PMID: 38347553; PMID: 39675565; PMID: 37201530; PMID: 17244682). Also, this variant is rare in population databases. Computational evidence supports a deleterious effect. Based on the currently available evidence, this variant is classified as likely pathogenic.

Victorian Clinical Genetics Services, Murdoch Childrens Research Institute
Classification: Likely pathogenic for Hereditary antithrombin deficiency. Last evaluated: 2026-02-05. Review status: criteria provided, single submitter. Criteria: ACMG Guidelines, 2015. Collection method: clinical testing. Allele origin: germline. Affected: no. Not counted in ClinVar's aggregate classification.
Comment: This variant is classified as Likely pathogenic. Evidence in support of pathogenic classification: Variant is present in gnomAD <0.01 (v4: 2349 heterozygote(s), 1 homozygote(s)); This variant has moderate previous evidence of pathogenicity in unrelated individuals. This variant, also known as p.(Ala384Ser) and antithrombin Cambridge II, has been well reported to be associated with thromboembolic disease or antithrombin deficiency (PMIDs: 23429250,9493570, 39675565, 17244682, 34800304). This variant has conflicting classifications in ClinVar and it has been identified in many asymptomatic carriers, however, it was shown to increase the risk of venous thrombosis 8.63 fold compared to controls in a large case-control study (PMID: 17244682); This variant has moderate functional evidence supporting abnormal protein function. HEK293 cells transfected with this variant showed <50% of wildtype antithrombin activity (PMID: 33537542); Another missense variant comparable to the one identified in this case has strong previous evidence for pathogenicity. p.(Ala416Pro) has been classified as pathogenic by the Clingen Thrombosis Variant Curation Expert Panel. Additional information: Variant is predicted to result in a missense amino acid change from Ala to Ser; This variant is heterozygous; This gene is associated with both recessive and dominant disease (OMIM). Biallelic disease is associated with a more severe presentation (ClinGen CCID:006109); Variant is located in the annotated serpin domain (DECIPHER); Missense variant with inconclusive in silico prediction and/or uninformative conservation; Loss of function is a known mechanism of disease in this gene and is associated with thrombophilia 7 due to antithrombin III deficiency (MIM#613118); Inheritance information for this variant is not currently available in this individual.

First Genomix Gene Laboratory, Genetic Diagnostics Department
Classification: Likely pathogenic for Hereditary antithrombin deficiency. Last evaluated: 2025-07-10. Review status: criteria provided, single submitter. Criteria: ACMG Guidelines, 2015. Collection method: clinical testing. Allele origin: germline. Inheritance: Autosomal recessive inheritance. Affected: no. Observed: 1 variant allele. Not counted in ClinVar's aggregate classification.

Mayo Clinic Laboratories, Mayo Clinic
Classification: Pathogenic. Last evaluated: 2025-06-11. Review status: criteria provided, single submitter. Criteria: ACMG Guidelines, 2015. Collection method: clinical testing. Allele origin: germline. Observed: 3 variant alleles. Not counted in ClinVar's aggregate classification.
Comment: PP1_strong, PP3, PM1, PS3_supporting, PS4_moderate

North West Genomic Laboratory Hub, Manchester University NHS Foundation Trust
Classification: Likely pathogenic for Thrombophilia with a likely monogenic cause. Last evaluated: 2025-04-28. Review status: criteria provided, single submitter. Criteria: ACGS Best Practice Guidelines for Variant Classification in Rare Disease 2024. Collection method: clinical testing. Allele origin: germline. Affected: yes. Not counted in ClinVar's aggregate classification.
Comment: PP1_Str PS3_Supp PM5_Mod

PreventionGenetics, part of Exact Sciences
Classification: Uncertain significance for SERPINC1-related condition. Last evaluated: 2025-04-14. Review status: criteria provided, single submitter. Criteria: ACMG Guidelines, 2015. Collection method: clinical testing. Allele origin: germline. Not counted in ClinVar's aggregate classification.
Comment: The SERPINC1 c.1246G>T variant is predicted to result in the amino acid substitution p.Ala416Ser. This variant has previously been referred to as Antithrombin Cambridge II and p.Ala384Ser using legacy nomenclature. Patients with the c.1246G>T have been reported to have slightly impaired antithrombin activity (~80%) but normal antigen levels (Corral et al. 2007. PubMed ID: 17244682; Sanchez et al. 2008. PubMed ID: 18761717; Perry et al. 1991. PubMed ID: 1906811; Alhenc-Gelas et al. 2010. PubMed ID: 20088933). In one study of four unrelated individuals heterozygous for the c.1264G>T variant, three were asymptomatic (Perry et al. 1991. PubMed ID: 1906811). Similar findings have been reported elsewhere (Corral et al. 2007. PubMed ID: 17244682). This variant is reported in 0.14% of alleles in individuals of Latino descent in gnomAD. At this time, the clinical significance of this variant is uncertain due to the absence of conclusive functional and genetic evidence.

Blueprint Genetics
Classification: Likely pathogenic for SERPINC1-related disorders. Last evaluated: 2024-11-07. Review status: criteria provided, single submitter. Criteria: ACMG Guidelines, 2015. Collection method: clinical testing. Allele origin: germline. Affected: yes. Observed: 5 variant alleles. Not counted in ClinVar's aggregate classification.

Laboratorio de Genetica e Diagnostico Molecular, Hospital Israelita Albert Einstein
Classification: Likely pathogenic for Hereditary antithrombin deficiency. Last evaluated: 2021-12-28. Review status: criteria provided, single submitter. Criteria: ACMG Guidelines, 2015. Collection method: clinical testing. Allele origin: germline. Affected: yes. Not counted in ClinVar's aggregate classification.
Comment: ACMG classification criteria: PS3 supporting, PS4 strong, PM3 moderate

CeGaT Center for Human Genetics Tuebingen
Classification: Pathogenic. Last evaluated: 2021-06-01. Review status: criteria provided, single submitter. Criteria: CeGaT Center For Human Genetics Tuebingen Variant Classification Criteria Version 2. Collection method: clinical testing. Allele origin: germline. Affected: yes. Observed: 3 variant alleles. Not counted in ClinVar's aggregate classification.

OMIM
Classification: Pathogenic for THROMBOPHILIA DUE TO ANTITHROMBIN III DEFICIENCY. Last evaluated: 1991-07-22. Review status: no assertion criteria provided. Collection method: literature only. Allele origin: germline. Not counted in ClinVar's aggregate classification.

NM_000488.4(SERPINC1):c.1246G>T (p.Ala416Ser)

Gene: SERPINC1 (serpin family C member 1; minus strand). Cytogenetic location: 1q25.1.
Variant type: single nucleotide variant.
Coding change: c.1246G>T on transcript NM_000488.4 (MANE Select); coding-DNA position 1246, G replaced by T.
Protein change: p.Ala416Ser; replaces alanine 416 with serine.
Molecular consequence: missense variant.
Genome position (GRCh38, 1-based): chr1:173,904,038, C>A on the plus strand (G>T on the coding strand, the complement: SERPINC1 is on the minus strand). VCF-style: chr1-173904038-C-A. GRCh37 (hg19) VCF-style: chr1-173873176-C-A.
Other names: A384S; AT-III Cambridge II; NM_000488.4(SERPINC1):c.1246G>T; c.1102G>T, p.Ala368Ser (NM_001365052.2); c.1369G>T, p.Ala457Ser (NM_001386302.1); c.1327G>T, p.Ala443Ser (NM_001386303.1); c.1225G>T, p.Ala409Ser (NM_001386304.1); c.1189G>T, p.Ala397Ser (NM_001386305.1); and 1 more; short protein forms A416S, A368S, A344S, A397S, A409S, A443S, A457S.
Identifiers: ClinVar variation 18023 (VCV000018023.69), dbSNP rs121909548, ClinGen allele CA211880.